The following is an entry in ClinVar:

ClinVar aggregate classification (germline): Uncertain significance. Review status: criteria provided, single submitter (1 of 4 stars). 2 submissions from 2 submitters: Uncertain significance (1). 1 of the submissions does not count toward it. Last evaluated 2019-10-17.

Conditions:
Macrocephaly. Also called: Macrocephalus; large head. Identifiers: MedGen C2243051, HP:0000256.
Developmental delay. Also called: Delayed development. Identifiers: MedGen C0424605.
Hearing impairment. Also called: Impaired Hearing. Identifiers: MedGen C1384666, MONDO:0005365, HP:0000365.
Leigh syndrome (NULS). Also called: Leigh Disease; Subacute necrotizing encephalopathy; Necrotizing encephalopathy infantile subacute of Leigh; Leigh's necrotizing encephalopathy; Leigh's disease; Leigh's syndrome. Identifiers: Orphanet 506, MedGen C2931891, MONDO:0009723, OMIM 256000.

Submissions (2):

Wong Mito Lab, Molecular and Human Genetics, Baylor College of Medicine
Classification: Uncertain significance for Leigh syndrome. Last evaluated: 2019-10-17. Review status: criteria provided, single submitter. Criteria: Modified ACMG Guidelines (Unpublished). Collection method: clinical testing. Allele origin: germline.
Comment: The NC_012920.1:m.15246G>A (YP_003024038.1:p.Gly167Asp) variant in MTCYB gene is interpretated to be a Uncertain Significance variant based on the modified ACMG guidelines (unpublished). This variant meets the following evidence codes: PP6, PP7

Center for Neuroscience and Cell Biology, University of Coimbra, Portugal
Classification: Likely pathogenic for Developmental delay; Deafness; Macrocephaly. Last evaluated: 2016-11-21. Review status: no assertion criteria provided. Collection method: clinical testing. Allele origin: unknown. Affected: yes. Observed: 1 variant allele. Not counted in ClinVar's aggregate classification.

Literature cited by the submitters: PubMed 28027978 (cited by Center for Neuroscience and Cell Biology, University of Coimbra, Portugal).

NC_012920.1(MT-CYB):m.15246G>A

Gene: MT-CYB (mitochondrially encoded cytochrome b; plus strand).
Variant type: single nucleotide variant.
Genome position: chrM-15246-G-A.
Identifiers: ClinVar variation 370065 (VCV000370065.3), dbSNP rs1057516075, ClinGen allele CA16040642.
Genomic context (GRCh38, chrMT:15,246, plus strand): 5'-CAAACTTACTATCCGCCATCCCATACATTGGGACAGACCTAGTTCAATGAATCTGAGGAG[G>A]CTACTCAGTAGACAGTCCCACCCTCACACGATTCTTTACCTTTCACTTCATCTTGCCCTT-3'